The following is an entry in ClinVar:

ClinVar aggregate classification (germline): Uncertain significance (1 of 4 stars; one submission).

Conditions:
Catecholaminergic polymorphic ventricular tachycardia (CVPT). Also called: Catecholamine-induced polymorphic ventricular tachycardia. Identifiers: Orphanet 3286, MedGen C5574922, MONDO:0017990.

Allele frequency attached by ClinVar (database versions not stated): ExAC 0.00001.

Submission:

All of Us Research Program, National Institutes of Health
Classification: Uncertain significance for Catecholaminergic polymorphic ventricular tachycardia. Last evaluated: 2023-08-15. Review status: criteria provided, single submitter. Criteria: ACMG Guidelines, 2015. Collection method: clinical testing. Allele origin: germline. Inheritance: Autosomal dominant inheritance. Observed: 1 variant allele, 1 heterozygote.
Comment: This missense variant replaces valine with leucine at codon 3444 of the RYR2 protein. Computational prediction suggests that this variant may not impact protein structure and function (internally defined REVEL score threshold <= 0.5, PMID: 27666373). To our knowledge, functional studies have not been reported for this variant. This variant has not been reported in individuals affected with RYR2-related disorders in the literature. This variant has been identified in 1/248312 chromosomes in the general population by the Genome Aggregation Database (gnomAD). The available evidence is insufficient to determine the role of this variant in disease conclusively. Therefore, this variant is classified as a Variant of Uncertain Significance.

This study involves interpretation of variants in research participants for the purpose of population health screening. Participant phenotype was not available at the time of variant classification. Additional details can be found in publication PMID: 35346344, PMCID: PMC8962531

NM_001035.3(RYR2):c.10330G>C (p.Val3444Leu)

Gene: RYR2 (ryanodine receptor 2; plus strand). Cytogenetic location: 1q43.
Variant type: single nucleotide variant.
Coding change: c.10330G>C on transcript NM_001035.3 (MANE Select); coding-DNA position 10330, G replaced by C.
Protein change: p.Val3444Leu; replaces valine 3444 with leucine.
Molecular consequence: missense variant.
Genome position (GRCh38, 1-based): chr1:237,717,204, G>C. VCF-style: chr1-237717204-G-C. GRCh37 (hg19) VCF-style: chr1-237880504-G-C.
Other names: short protein forms V3444L.
Identifiers: ClinVar variation 3072923 (VCV003072923.1), dbSNP rs747650055, ClinGen allele CA084298.
Genomic context (GRCh38, chr1:237,717,204, plus strand): 5'-TTCTACATGTGAGAAAAGCAGGTTCAGATCCCAGCACTTCTCTTTGTTCCATAGGCAGCT[G>C]TTTCTGATCAGGAAAGGAAGAAAATGAAGCGCAAAGGAGATCGGTATTCCATGCAGACCT-3'
Protein context (NP_001026.2, residues 3434-3454): DTKSKMSKAA[Val3444Leu]SDQERKKMKR